The following is an entry in ClinVar:

ClinVar aggregate classification (germline): Uncertain significance (1 of 4 stars; one submission).

Submission:

Labcorp Genetics (formerly Invitae), Labcorp
Classification: Uncertain significance. Last evaluated: 2024-07-04. Review status: criteria provided, single submitter. Criteria: Invitae Variant Classification Sherloc (09022015). Collection method: clinical testing. Allele origin: germline.
Comment: This sequence change replaces cysteine, which is neutral and slightly polar, with phenylalanine, which is neutral and non-polar, at codon 293 of the TGFB1 protein (p.Cys293Phe). This variant is not present in population databases (gnomAD no frequency). This variant has not been reported in the literature in individuals affected with TGFB1-related conditions. Advanced modeling of protein sequence and biophysical properties (such as structural, functional, and spatial information, amino acid conservation, physicochemical variation, residue mobility, and thermodynamic stability) performed at Invitae indicates that this missense variant is expected to disrupt TGFB1 protein function with a positive predictive value of 80%. In summary, the available evidence is currently insufficient to determine the role of this variant in disease. Therefore, it has been classified as a Variant of Uncertain Significance.

NM_000660.7(TGFB1):c.878G>T (p.Cys293Phe)

Gene: TGFB1 (transforming growth factor beta 1; minus strand). Cytogenetic location: 19q13.2.
Variant type: single nucleotide variant.
Coding change: c.878G>T on transcript NM_000660.7 (MANE Select); coding-DNA position 878, G replaced by T.
Protein change: p.Cys293Phe; replaces cysteine 293 with phenylalanine.
Molecular consequence: missense variant.
Genome position (GRCh38, 1-based): chr19:41,332,264, C>A on the plus strand (G>T on the coding strand, the complement: TGFB1 is on the minus strand). VCF-style: chr19-41332264-C-A. GRCh37 (hg19) VCF-style: chr19-41838169-C-A.
Other names: short protein forms C293F.
Identifiers: ClinVar variation 3667863 (VCV003667863.2).